The following is an entry in ClinVar:

NM_006766.5(KAT6A):c.4753A>G (p.Ser1585Gly)

Gene: KAT6A (lysine acetyltransferase 6A; minus strand). Cytogenetic location: 8p11.21.
Variant type: single nucleotide variant.
Coding change: c.4753A>G on transcript NM_006766.5 (MANE Select); coding-DNA position 4753, A replaced by G.
Protein change: p.Ser1585Gly; replaces serine 1585 with glycine.
Molecular consequence: missense variant.
Genome position (GRCh38, 1-based): chr8:41,933,467, T>C on the plus strand (A>G on the coding strand, the complement: KAT6A is on the minus strand). VCF-style: chr8-41933467-T-C. GRCh37 (hg19) VCF-style: chr8-41790985-T-C.
Other names: short protein forms S1585G.
Identifiers: ClinVar variation 3031799 (VCV003031799.2), dbSNP rs1587707839, ClinGen allele CA371064717.

ClinVar aggregate classification (germline): Uncertain significance (0 of 4 stars; one submission).

Conditions:
KAT6A-related disorder. Also called: KAT6A-related condition.

Submission:

PreventionGenetics, part of Exact Sciences
Classification: Uncertain significance for KAT6A-related condition. Last evaluated: 2023-11-10. Review status: no assertion criteria provided. Collection method: clinical testing. Allele origin: germline.
Comment: The KAT6A c.4753A>G variant is predicted to result in the amino acid substitution p.Ser1585Gly. To our knowledge, this variant has not been reported in the literature or in a large population database, indicating this variant is rare. At this time, the clinical significance of this variant is uncertain due to the absence of conclusive functional and genetic evidence.